The following is an entry in ClinVar:

ClinVar aggregate classification (germline): Benign/Likely benign. Review status: criteria provided, multiple submitters, no conflicts (2 of 4 stars). 5 submissions from 5 submitters: Benign (1); Likely benign (3). 1 of the submissions does not count toward it. Last evaluated 2025-01-26.

Conditions:
Hereditary cancer-predisposing syndrome. Also called: Hereditary neoplastic syndrome; Neoplastic Syndromes, Hereditary; Tumor predisposition; Hereditary Cancer Syndrome. Identifiers: Orphanet 140162, MedGen C0027672, MeSH D009386, MONDO:0015356.
Familial cancer of breast. Also called: BREAST CANCER, FAMILIAL; Hereditary breast cancer; hereditary breast carcinoma. Identifiers: Orphanet 227535, MedGen C0346153, MONDO:0016419, OMIM 114480. Disease mechanism: loss of function.

Allele frequency attached by ClinVar (database versions not stated): gnomAD exomes below 0.00001.
gnomAD v4.1: 2 of 1,614,014 alleles (0.00012%); highest among the groups gnomAD compares: Non-Finnish European, 0.00017%; no homozygotes.

Submissions (5):

Labcorp Genetics (formerly Invitae), Labcorp
Classification: Likely benign for Familial cancer of breast. Last evaluated: 2025-01-26. Review status: criteria provided, single submitter. Criteria: Invitae Variant Classification Sherloc (09022015). Collection method: clinical testing. Allele origin: germline.

Myriad Genetics, Inc.
Classification: Benign for Familial cancer of breast. Last evaluated: 2024-07-24. Review status: criteria provided, single submitter. Criteria: Myriad Autosomal Dominant, Autosomal Recessive and X-Linked Classification Criteria (2023). Collection method: clinical testing. Allele origin: unknown.
Comment: This variant is considered benign. This variant is a silent/synonymous amino acid change and it is not expected to impact splicing.

Color Diagnostics, LLC DBA Color Health
Classification: Likely benign for Hereditary cancer-predisposing syndrome. Last evaluated: 2016-05-24. Review status: criteria provided, single submitter. Criteria: ACMG Guidelines, 2015. Collection method: clinical testing. Allele origin: germline.

Ambry Genetics
Classification: Likely benign for Hereditary cancer-predisposing syndrome. Last evaluated: 2014-08-01. Review status: criteria provided, single submitter. Criteria: Ambry Variant Classification Scheme 2023. Collection method: clinical testing. Allele origin: germline.

Institute for Biomarker Research, Medical Diagnostic Laboratories, L.L.C.
Classification: Likely benign for Hereditary cancer-predisposing syndrome. Last evaluated: 2021-09-27. Review status: no assertion criteria provided. Collection method: clinical testing. Allele origin: germline. Not counted in ClinVar's aggregate classification.

NM_000465.4(BARD1):c.1071A>C (p.Ile357=)

Gene: BARD1 (BRCA1 associated RING domain 1; minus strand). Cytogenetic location: 2q35.
Variant type: single nucleotide variant.
Coding change: c.1071A>C on transcript NM_000465.4 (MANE Select); coding-DNA position 1071, A replaced by C.
Protein change: p.Ile357=; no amino-acid change (isoleucine 357 retained).
Molecular consequence: synonymous variant. On other transcripts: non-coding transcript variant (2), intron variant (3).
Genome position (GRCh38, 1-based): chr2:214,780,803, T>G on the plus strand (A>C on the coding strand, the complement: BARD1 is on the minus strand). VCF-style: chr2-214780803-T-G. GRCh37 (hg19) VCF-style: chr2-215645527-T-G.
Other names: c.1014A>C, p.Ile338= (NM_001282543.2); c.159-28248A>C (NM_001282548.2); c.215+16258A>C (NM_001282545.2); c.364+11494A>C (NM_001282549.2).
Identifiers: ClinVar variation 185677 (VCV000185677.21), dbSNP rs786202366, ClinGen allele CA192590.